The following is an entry in ClinVar:

ClinVar aggregate classification (germline): Uncertain significance (1 of 4 stars; one submission).

Submission:

CeGaT Center for Human Genetics Tuebingen
Classification: Uncertain significance. Last evaluated: 2026-06-01. Review status: criteria provided, single submitter. Criteria: CeGaT Center For Human Genetics Tuebingen Variant Classification Criteria Version 2. Collection method: clinical testing. Allele origin: germline. Affected: yes. Observed: 1 variant allele.
Comment: DDX23: PM2, PP2

NM_004818.3(DDX23):c.2392C>A (p.His798Asn)

Gene: DDX23 (DEAD-box helicase 23; minus strand). Cytogenetic location: 12q13.12.
Variant type: single nucleotide variant.
Coding change: c.2392C>A on transcript NM_004818.3 (MANE Select); coding-DNA position 2392, C replaced by A.
Protein change: p.His798Asn; replaces histidine 798 with asparagine.
Molecular consequence: missense variant.
Genome position (GRCh38, 1-based): chr12:48,830,540, G>T on the plus strand (C>A on the coding strand, the complement: DDX23 is on the minus strand). VCF-style: chr12-48830540-G-T. GRCh37 (hg19) VCF-style: chr12-49224323-G-T.
Other names: short protein forms H798N.
Identifiers: ClinVar variation 4875154 (VCV004875154.2).